The following is an entry in ClinVar:

ClinVar aggregate classification (germline): Uncertain significance (1 of 4 stars; one submission).

Submission:

Labcorp Genetics (formerly Invitae), Labcorp
Classification: Uncertain significance. Last evaluated: 2021-09-24. Review status: criteria provided, single submitter. Criteria: Invitae Variant Classification Sherloc (09022015). Collection method: clinical testing. Allele origin: germline.
Comment: This sequence change replaces cysteine with arginine at codon 1195 of the USH2A protein (p.Cys1195Arg). The cysteine residue is highly conserved and there is a large physicochemical difference between cysteine and arginine. This variant is not present in population databases (ExAC no frequency). This variant has not been reported in the literature in individuals affected with USH2A-related conditions. Algorithms developed to predict the effect of missense changes on protein structure and function are either unavailable or do not agree on the potential impact of this missense change (SIFT: "Deleterious"; PolyPhen-2: "Benign"; Align-GVGD: "Class C0"). In summary, the available evidence is currently insufficient to determine the role of this variant in disease. Therefore, it has been classified as a Variant of Uncertain Significance.

NM_206933.4(USH2A):c.3583T>C (p.Cys1195Arg)

Genes: USH2A (usherin; minus strand), USH2A-AS1 (USH2A antisense RNA 1; plus strand). Cytogenetic location: 1q41.
Variant type: single nucleotide variant.
Coding change: c.3583T>C on transcript NM_206933.4 (MANE Select); coding-DNA position 3583, T replaced by C.
Protein change: p.Cys1195Arg; replaces cysteine 1195 with arginine.
Molecular consequence: missense variant.
Genome position (GRCh38, 1-based): chr1:216,199,855, A>G on the plus strand (T>C on the coding strand, the complement: USH2A is on the minus strand). VCF-style: chr1-216199855-A-G. GRCh37 (hg19) VCF-style: chr1-216373197-A-G.
Other names: c.3583T>C, p.Cys1195Arg (NM_007123.6); short protein forms C1195R.
Identifiers: ClinVar variation 1000767 (VCV001000767.4), dbSNP rs2034942169, ClinGen allele CA344868123.